The following is an entry in ClinVar:

ClinVar aggregate classification (germline): Uncertain significance. Review status: criteria provided, multiple submitters, no conflicts (2 of 4 stars). 4 submissions from 4 submitters: Uncertain significance (4). Last evaluated 2025-04-19.

Conditions:
TTN-related disorder. Also called: TTN-related disorders; TTN-related condition; TTN-related disease.
Dilated cardiomyopathy 1G (CMD1G). Identifiers: Orphanet 154, MedGen C1858763, MONDO:0011400, OMIM 604145.
Autosomal recessive limb-girdle muscular dystrophy type 2J (LGMDR10). Also called: Limb-girdle muscular dystrophy, type 2J; MUSCULAR DYSTROPHY, LIMB-GIRDLE, AUTOSOMAL RECESSIVE 10. Identifiers: Orphanet 140922, MedGen C1837342, MONDO:0012127, OMIM 608807.
Early-onset myopathy with fatal cardiomyopathy (CMYO5). Also called: Salih Myopathy; CONGENITAL MYOPATHY 5 WITH CARDIOMYOPATHY. Identifiers: Orphanet 289377, MedGen C2673677, MONDO:0012714, OMIM 611705. Disease mechanism: loss of function.
Hypertrophic cardiomyopathy 9. Also called: Familial hypertrophic cardiomyopathy 9. Identifiers: MedGen C1861065, MONDO:0013412, OMIM 613765.
Tibial muscular dystrophy (TMD). Also called: UDD MYOPATHY; Tibial muscular dystrophy, tardive; Udd Distal Myopathy – Tibial Muscular Dystrophy. Identifiers: Orphanet 609, MedGen C1838244, MONDO:0010870, OMIM 600334.
Myopathy, myofibrillar, 9, with early respiratory failure (MFM9). Also called: EDSTROM MYOPATHY; MYOPATHY, PROXIMAL, WITH EARLY RESPIRATORY MUSCLE INVOLVEMENT; Hereditary myopathy with early respiratory failure; Myopathy, distal, with early respiratory failure, autosomal dominant. Identifiers: Orphanet 178464, Orphanet 34521, MedGen C1863599, MONDO:0011362, OMIM 603689.

Allele frequency attached by ClinVar (database versions not stated): TOPMed 0.00003.
gnomAD v4.1: 35 of 1,613,100 alleles (0.0022%); highest among the groups gnomAD compares: East Asian, 0.0089%; no homozygotes.

Submissions (4):

PreventionGenetics, part of Exact Sciences
Classification: Uncertain significance for TTN-related condition. Last evaluated: 2025-04-19. Review status: criteria provided, single submitter. Criteria: ACMG Guidelines, 2015. Collection method: clinical testing. Allele origin: germline.
Comment: The TTN c.60472G>A variant is predicted to result in the amino acid substitution p.Gly20158Ser. To our knowledge, this variant has not been reported in the literature. This variant is reported in 0.0036% of alleles in individuals of European (Non-Finnish) descent in gnomAD. At this time, the clinical significance of this variant is uncertain due to the absence of conclusive functional and genetic evidence.

CeGaT Center for Human Genetics Tuebingen
Classification: Uncertain significance. Last evaluated: 2022-03-01. Review status: criteria provided, single submitter. Criteria: CeGaT Center For Human Genetics Tuebingen Variant Classification Criteria Version 2. Collection method: clinical testing. Allele origin: germline. Affected: yes. Observed: 2 variant alleles.

Fulgent Genetics
Classification: Uncertain significance for Tibial muscular dystrophy; Myopathy, myofibrillar, 9, with early respiratory failure; Dilated cardiomyopathy 1G; Autosomal recessive limb-girdle muscular dystrophy type 2J; Early-onset myopathy with fatal cardiomyopathy; Hypertrophic cardiomyopathy 9. Last evaluated: 2021-08-02. Review status: criteria provided, single submitter. Criteria: ACMG Guidelines, 2015. Collection method: clinical testing. Allele origin: unknown.

Labcorp Genetics (formerly Invitae), Labcorp
Classification: Uncertain significance for Dilated cardiomyopathy 1G; Autosomal recessive limb-girdle muscular dystrophy type 2J. Last evaluated: 2016-03-13. Review status: criteria provided, single submitter. Criteria: Invitae Variant Classification Sherloc (09022015). Collection method: clinical testing. Allele origin: germline.

NM_001267550.2(TTN):c.60472G>A (p.Gly20158Ser)

Genes: TTN-AS1 (TTN antisense RNA 1; plus strand), TTN (titin; minus strand). Cytogenetic location: 2q31.2.
Variant type: single nucleotide variant.
Coding change: c.60472G>A on transcript NM_001267550.2 (MANE Select); coding-DNA position 60472, G replaced by A.
Protein change: p.Gly20158Ser; replaces glycine 20158 with serine.
Molecular consequence: missense variant. On other transcripts: non-coding transcript variant (1).
Genome position (GRCh38, 1-based): chr2:178,591,253, C>T on the plus strand (G>A on the coding strand, the complement: TTN is on the minus strand). VCF-style: chr2-178591253-C-T. GRCh37 (hg19) VCF-style: chr2-179455980-C-T.
Other names: c.55549G>A, p.Gly18517Ser (NM_001256850.1); c.33277G>A, p.Gly11093Ser (NM_003319.4); c.52768G>A, p.Gly17590Ser (NM_133378.4); c.33652G>A, p.Gly11218Ser (NM_133432.3); c.33853G>A, p.Gly11285Ser (NM_133437.4); short protein forms G20158S, G18517S, G11285S, G11093S, G11218S, G17590S.
Identifiers: ClinVar variation 238817 (VCV000238817.46), dbSNP rs375009570, ClinGen allele CA1992485.